The following is an entry in ClinVar:

NM_004960.4(FUS):c.1561C>A (p.Arg521Ser)

Gene: FUS (FUS RNA binding protein; plus strand). Cytogenetic location: 16p11.2.
Variant type: single nucleotide variant.
Coding change: c.1561C>A on transcript NM_004960.4 (MANE Select); coding-DNA position 1561, C replaced by A.
Protein change: p.Arg521Ser; replaces arginine 521 with serine.
Molecular consequence: missense variant. On other transcripts: non-coding transcript variant (1).
Genome position (GRCh38, 1-based): chr16:31,191,418, C>A. VCF-style: chr16-31191418-C-A. GRCh37 (hg19) VCF-style: chr16-31202739-C-A.
Other names: c.1558C>A, p.Arg520Ser (NM_001170634.1); c.1549C>A, p.Arg517Ser (NM_001170937.1); short protein forms R520S, R521S, R517S.
Identifiers: ClinVar variation 4783811 (VCV004783811.1).

ClinVar aggregate classification (germline): Pathogenic (1 of 4 stars; one submission).

Conditions:
Amyotrophic lateral sclerosis type 6. Also called: FUS-Related Amyotrophic Laterial Sclerosis; AMYOTROPHIC LATERAL SCLEROSIS 6 WITHOUT FRONTOTEMPORAL DEMENTIA; Amyotrophic lateral sclerosis 6, with or without frontotemporal dementia. Identifiers: Orphanet 275872, Orphanet 803, MedGen C2931786, MONDO:0011951, OMIM 608030.
Tremor, hereditary essential, 4 (ETM4). Identifiers: MedGen C3539195, MONDO:0013888, OMIM 614782.

Submission:

Labcorp Genetics (formerly Invitae), Labcorp
Classification: Pathogenic for Tremor, hereditary essential, 4; Amyotrophic lateral sclerosis type 6. Last evaluated: 2025-04-09. Review status: criteria provided, single submitter. Criteria: Invitae Variant Classification Sherloc (09022015). Collection method: clinical testing. Allele origin: germline.
Comment: This sequence change replaces arginine, which is basic and polar, with serine, which is neutral and polar, at codon 521 of the FUS protein (p.Arg521Ser). This variant is not present in population databases (gnomAD no frequency). This missense change has been observed in individuals with amyotrophic lateral sclerosis (PMID: 20577002; internal data). It has also been observed to segregate with disease in related individuals. An algorithm developed to predict the effect of missense changes on protein structure and function (PolyPhen-2) suggests that this variant is likely to be disruptive. Algorithms developed to predict the effect of sequence changes on RNA splicing suggest that this variant may disrupt the consensus splice site. This variant disrupts the p.Arg521 amino acid residue in FUS. Other variant(s) that disrupt this residue have been determined to be pathogenic (PMID: 19251627, 19251628, 20598774, 20621307; internal data). This suggests that this residue is clinically significant, and that variants that disrupt this residue are likely to be disease-causing. For these reasons, this variant has been classified as Pathogenic.

Literature cited by the submitters: PubMed 20577002; PubMed 19251627; PubMed 19251628; PubMed 20598774; PubMed 20621307.